The following is an entry in ClinVar:

ClinVar aggregate classification (germline): Uncertain significance (1 of 4 stars; one submission).

Conditions:
Pitt-Hopkins-like syndrome 2 (PTHSL2). Identifiers: Orphanet 221150, Orphanet 600663, MedGen C3280479, MONDO:0013690, OMIM 614325.

Allele frequency attached by ClinVar (database versions not stated): TOPMed below 0.00001.

Submission:

Labcorp Genetics (formerly Invitae), Labcorp
Classification: Uncertain significance for Pitt-Hopkins-like syndrome 2. Last evaluated: 2020-10-14. Review status: criteria provided, single submitter. Criteria: Invitae Variant Classification Sherloc (09022015). Collection method: clinical testing. Allele origin: germline.
Comment: This variant is not present in population databases (ExAC no frequency). This sequence change replaces histidine with leucine at codon 566 of the NRXN1 protein (p.His566Leu). The histidine residue is highly conserved and there is a moderate physicochemical difference between histidine and leucine. This variant has not been reported in the literature in individuals with NRXN1-related conditions. In summary, the available evidence is currently insufficient to determine the role of this variant in disease. Therefore, it has been classified as a Variant of Uncertain Significance. Algorithms developed to predict the effect of missense changes on protein structure and function are either unavailable or do not agree on the potential impact of this missense change (SIFT: "Deleterious"; PolyPhen-2: "Benign"; Align-GVGD: "Class C0").

NM_001330078.2(NRXN1):c.1577A>T (p.His526Leu)

Gene: NRXN1 (neurexin 1; minus strand). Cytogenetic location: 2p16.3.
Variant type: single nucleotide variant.
Coding change: c.1577A>T on transcript NM_001330078.2 (MANE Select); coding-DNA position 1577, A replaced by T.
Protein change: p.His526Leu; replaces histidine 526 with leucine.
Molecular consequence: missense variant.
Genome position (GRCh38, 1-based): chr2:50,552,769, T>A on the plus strand (A>T on the coding strand, the complement: NRXN1 is on the minus strand). VCF-style: chr2-50552769-T-A. GRCh37 (hg19) VCF-style: chr2-50779907-T-A.
Other names: c.1553A>T, p.His518Leu (NM_001330077.2, NM_001330082.2, NM_001330095.2); c.1538A>T, p.His513Leu (NM_001330083.2, NM_001330084.2); c.1577A>T, p.His526Leu (NM_001330085.2, NM_001330086.2, NM_004801.6); c.1493A>T, p.His498Leu (NM_001330087.2, NM_001330096.2); c.1523A>T, p.His508Leu (NM_001330088.2); c.1574A>T, p.His525Leu (NM_001330093.2); c.1565A>T, p.His522Leu (NM_001330094.2); c.1697A>T, p.His566Leu (NM_001135659.3); short protein forms H498L, H508L, H513L, H518L, H522L, H525L, H526L, H566L.
Identifiers: ClinVar variation 1020698 (VCV001020698.8), dbSNP rs1489040868, ClinGen allele CA346773411.
Genomic context (GRCh38, chr2:50,552,769, plus strand): 5'-AGCATCTCAATAGCAAAGAAGTCCACCTTTATCATCTGTGGGTGCTTGGCATCTTTCTGA[T>A]GTCTTGGCTTGCCATGGCTAAATAAGATGAGGCCATTTGGCTCTGTTGTACGGAAATCAA-3'
Protein context (NP_001317007.1, residues 516-536): LILFSHGKPR[His526Leu]QKDAKHPQMI